The following is an entry in ClinVar:

ClinVar aggregate classification (germline): Uncertain significance (1 of 4 stars; one submission).

Conditions:
Osteogenesis imperfecta type 8 (OI8). Identifiers: MedGen C1970458, MONDO:0012581, OMIM 610915.

Allele frequency attached by ClinVar (database versions not stated): TOPMed below 0.00001; ExAC 0.00001; gnomAD exomes 0.00001 and 0.00002.
gnomAD v4.1: 12 of 1,614,200 alleles (0.00074%); highest among the groups gnomAD compares: South Asian, 0.0088%; no homozygotes.

Submission:

Labcorp Genetics (formerly Invitae), Labcorp
Classification: Uncertain significance for Osteogenesis imperfecta type 8. Last evaluated: 2021-09-01. Review status: criteria provided, single submitter. Criteria: Invitae Variant Classification Sherloc (09022015). Collection method: clinical testing. Allele origin: germline.
Comment: This sequence change replaces threonine with alanine at codon 413 of the P3H1 protein (p.Thr413Ala). The threonine residue is highly conserved and there is a small physicochemical difference between threonine and alanine. The frequency data for this variant in the population databases is considered unreliable, as metrics indicate poor data quality at this position in the ExAC database. This variant has not been reported in the literature in individuals affected with P3H1-related conditions. Algorithms developed to predict the effect of missense changes on protein structure and function (SIFT, PolyPhen-2, Align-GVGD) all suggest that this variant is likely to be tolerated. In summary, the available evidence is currently insufficient to determine the role of this variant in disease. Therefore, it has been classified as a Variant of Uncertain Significance.

NM_022356.4(P3H1):c.1237A>G (p.Thr413Ala)

Gene: P3H1 (prolyl 3-hydroxylase 1; minus strand). Cytogenetic location: 1p34.2.
Variant type: single nucleotide variant.
Coding change: c.1237A>G on transcript NM_022356.4 (MANE Select); coding-DNA position 1237, A replaced by G.
Protein change: p.Thr413Ala; replaces threonine 413 with alanine.
Molecular consequence: missense variant.
Genome position (GRCh38, 1-based): chr1:42,754,977, T>C on the plus strand (A>G on the coding strand, the complement: P3H1 is on the minus strand). VCF-style: chr1-42754977-T-C. GRCh37 (hg19) VCF-style: chr1-43220648-T-C.
Other names: c.1237A>G, p.Thr413Ala (NM_001146289.2, NM_001243246.2); short protein forms T413A.
Identifiers: ClinVar variation 1520756 (VCV001520756.5), dbSNP rs755460349, ClinGen allele CA801901.
Genomic context (GRCh38, chr1:42,754,977, plus strand): 5'-CCACAAGGGTCTCGATTTCCTTCATAAGGTTCCCAATCTCCTGGGAGATGCGTACGGCTG[T>C]TTCCCGTTCTGACCTATGAGCACAGCCGCTCTGAGGACTGCATTCCAGGGCCAGCCCTGG-3'
Protein context (NP_071751.3, residues 403-423): LQEKQKSERE[Thr413Ala]AVRISQEIGN